The following is an entry in ClinVar:

NC_000017.10:g.(?_75316409)_(75398805_?)dup

Gene: SEPTIN9 (septin 9; plus strand). Cytogenetic location: 17q25.3.
Variant type: Duplication.
Identifiers: ClinVar variation 2445499 (VCV002445499.2).

ClinVar aggregate classification (germline): Uncertain significance (1 of 4 stars; one submission).

Submission:

Labcorp Genetics (formerly Invitae), Labcorp
Classification: Uncertain significance. Last evaluated: 2022-09-06. Review status: criteria provided, single submitter. Criteria: Invitae Variant Classification Sherloc (09022015). Collection method: clinical testing. Allele origin: germline.
Comment: In summary, the available evidence is currently insufficient to determine the role of this variant in disease. Therefore, it has been classified as a Variant of Uncertain Significance. Experimental studies and prediction algorithms are not available or were not evaluated, and the functional significance of this variant is currently unknown. This variant has not been reported in the literature in individuals affected with SEPT9-related conditions. This variant results in a copy number gain of the genomic region encompassing exon(s) 1-2 of the SEPT9 gene. This region includes the initiator codon of the gene. This copy number gain extends beyond the assayed region for this gene and therefore may encompass additional genes. As the precise location of this event is unknown, it may be in tandem or it may be located elsewhere in the genome.